The following is an entry in ClinVar:

ClinVar aggregate classification (germline): Benign/Likely benign. Review status: criteria provided, multiple submitters, no conflicts (2 of 4 stars). 8 submissions from 8 submitters: Benign (1); Likely benign (7). Last evaluated 2026-05-01.

Conditions:
Cataract 41 (CTRCT41). Also called: CATARACT 41, CONGENITAL NUCLEAR TYPE. Identifiers: Orphanet 91492, Orphanet 98991, Orphanet 98992, Orphanet 98995, MedGen C3805412, MONDO:0007287, OMIM 116400.
Type 2 diabetes mellitus. Also called: Type II diabetes mellitus. Identifiers: MedGen C0011860, MeSH D003924, MONDO:0005148, OMIM 125853, HP:0005978.
Wolfram syndrome 1 (WFS1). Identifiers: Orphanet 3463, MedGen C4551693, MONDO:0009101, OMIM 222300.
Wolfram-like syndrome. Also called: HEARING LOSS, PROGRESSIVE, WITH OPTIC ATROPHY AND/OR IMPAIRED GLUCOSE REGULATION. Identifiers: Orphanet 411590, MedGen C3280358, MONDO:0013673, OMIM 614296.
Autosomal dominant nonsyndromic hearing loss 6 (LFSNHL). Also called: DEAFNESS, AUTOSOMAL DOMINANT 6; DEAFNESS, AUTOSOMAL DOMINANT 14; DEAFNESS, AUTOSOMAL DOMINANT 38; Autosomal dominant nonsyndromic deafness 6. Identifiers: Orphanet 90635, MedGen C1833021, MONDO:0010963, OMIM 600965.

Allele frequency attached by ClinVar (database versions not stated): ExAC 0.00017; gnomAD exomes 0.00018 and 0.00030; TOPMed 0.00022; gnomAD 0.00025; ESP Exome Variant Server 0.00038; 1000 Genomes Project 0.00040; 1000 Genomes Project 30x 0.00078.
gnomAD v4.1: 468 of 1,611,290 alleles (0.029%); highest among the groups gnomAD compares: Non-Finnish European, 0.035%; no homozygotes.

Submissions (8):

CeGaT Center for Human Genetics Tuebingen
Classification: Likely benign. Last evaluated: 2026-05-01. Review status: criteria provided, single submitter. Criteria: CeGaT Center For Human Genetics Tuebingen Variant Classification Criteria Version 2. Collection method: clinical testing. Allele origin: germline. Affected: yes. Observed: 2 variant alleles.
Comment: WFS1: BP4, BP7

Labcorp Genetics (formerly Invitae), Labcorp
Classification: Likely benign. Last evaluated: 2025-11-11. Review status: criteria provided, single submitter. Criteria: Invitae Variant Classification Sherloc (09022015). Collection method: clinical testing. Allele origin: germline.

ARUP Laboratories, Molecular Genetics and Genomics, ARUP Laboratories
Classification: Likely benign. Last evaluated: 2024-09-24. Review status: criteria provided, single submitter. Criteria: ARUP Molecular Germline Variant Investigation Process 2024. Collection method: clinical testing. Allele origin: germline.

Blueprint Genetics
Classification: Likely benign. Last evaluated: 2024-09-24. Review status: criteria provided, single submitter. Criteria: ACMG Guidelines, 2015. Collection method: clinical testing. Allele origin: germline.

Fulgent Genetics
Classification: Likely benign for Cataract 41; Type 2 diabetes mellitus; Wolfram syndrome 1; Autosomal dominant nonsyndromic hearing loss 6; Wolfram-like syndrome. Last evaluated: 2021-08-11. Review status: criteria provided, single submitter. Criteria: ACMG Guidelines, 2015. Collection method: clinical testing. Allele origin: unknown.

GeneDx
Classification: Likely benign. Last evaluated: 2021-03-05. Review status: criteria provided, single submitter. Criteria: GeneDx Variant Classification Process June 2021. Collection method: clinical testing. Allele origin: germline. Affected: yes.

Laboratory for Molecular Medicine, Mass General Brigham Personalized Medicine
Classification: Likely benign. Last evaluated: 2012-04-30. Review status: criteria provided, single submitter. Criteria: LMM Criteria. Collection method: clinical testing. Allele origin: germline. Observed: 1 variant allele.
Comment: Thr490Thr in Exon 08 of WFS1: This variant is not expected to have clinical sign ificance because it does not alter an amino acid residue, is not located within the splice consensus sequence, and has been identified in 0.1% (5/7020) of Europ ean American chromosomes from a broad population by the NHLBI Exome Sequencing P roject (dbSNP rs146027767).

Clinical Genomics, Uppaluri K&H Personalized Medicine Clinic
Classification: Benign for Wolfram syndrome 1. Review status: criteria provided, single submitter. Criteria: K & H Uppaluri Personalized Medicine Clinic Variant Classification & Assertion Criteria_Updated V.1. Collection method: research. Allele origin: unknown. Inheritance: Autosomal recessive inheritance.
Comment: Potent mutations in WFS1 gene are associated with Wolfram's syndrome, an autosomal recessive condition, which cause diabetes mellitus, diabetes insipidus, deafness and optic atrophy. However no sufficient evidence is found to ascertain the role of this particular variant rs146027767 in Wolfram's syndrome yet.

Literature cited by the submitters: PubMed 20738327 (cited by Clinical Genomics, Uppaluri K&H Personalized Medicine Clinic); PubMed 33879153 (cited by Clinical Genomics, Uppaluri K&H Personalized Medicine Clinic); PubMed 12955714 (cited by Clinical Genomics, Uppaluri K&H Personalized Medicine Clinic); PubMed 18060660 (cited by Clinical Genomics, Uppaluri K&H Personalized Medicine Clinic); PubMed 20301750 (cited by Clinical Genomics, Uppaluri K&H Personalized Medicine Clinic); PubMed 17603484 (cited by Clinical Genomics, Uppaluri K&H Personalized Medicine Clinic).

NM_006005.3(WFS1):c.1470C>T (p.Thr490=)

Gene: WFS1 (wolframin ER transmembrane glycoprotein; plus strand). Cytogenetic location: 4p16.1.
Variant type: single nucleotide variant.
Coding change: c.1470C>T on transcript NM_006005.3 (MANE Select); coding-DNA position 1470, C replaced by T.
Protein change: p.Thr490=; no amino-acid change (threonine 490 retained).
Molecular consequence: synonymous variant.
Genome position (GRCh38, 1-based): chr4:6,301,265, C>T. VCF-style: chr4-6301265-C-T. GRCh37 (hg19) VCF-style: chr4-6302992-C-T.
Other names: c.1470C>T, p.Thr490= (NM_001145853.1).
Identifiers: ClinVar variation 178592 (VCV000178592.44), dbSNP rs146027767, ClinGen allele CA182620.